The following is an entry in ClinVar:

NM_001972.4(ELANE):c.255_266del (p.Ala86_Leu89del)

Gene: ELANE (elastase, neutrophil expressed; plus strand). Cytogenetic location: 19p13.3.
Variant type: Deletion.
Coding change: c.255_266del on transcript NM_001972.4 (MANE Select); coding-DNA positions 255 to 266, 12 bases deleted (AGCCCATAACCT).
Protein change: p.Ala86_Leu89del.
Molecular consequence: inframe deletion.
Genome position (GRCh38, 1-based): chr19:853,292-853,303, AGCCCATAACCT deleted. VCF-style (leftmost placement, unchanged base first): chr19-853291-GAGCCCATAACCT-G. GRCh37 (hg19) VCF-style: chr19-853291-GAGCCCATAACCT-G.
Identifiers: ClinVar variation 2023737 (VCV002023737.4), dbSNP rs2512165208, ClinGen allele CA2580096959.

ClinVar aggregate classification (germline): Uncertain significance (1 of 4 stars; one submission).

Conditions:
Cyclical neutropenia. Also called: Cyclic Neutropenia; Cyclic hematopoiesis. Identifiers: Orphanet 2686, MedGen C0221023, MONDO:0008090, OMIM 162800, HP:0040289. Disease mechanism: loss of function.
Neutropenia, severe congenital, 1, autosomal dominant. Identifiers: MedGen C1859966, MONDO:0042490, OMIM 202700.

Submission:

Labcorp Genetics (formerly Invitae), Labcorp
Classification: Uncertain significance for Neutropenia, severe congenital, 1, autosomal dominant; Cyclical neutropenia. Last evaluated: 2022-08-29. Review status: criteria provided, single submitter. Criteria: Invitae Variant Classification Sherloc (09022015). Collection method: clinical testing. Allele origin: germline.
Comment: In summary, the available evidence is currently insufficient to determine the role of this variant in disease. Therefore, it has been classified as a Variant of Uncertain Significance. Experimental studies and prediction algorithms are not available or were not evaluated, and the functional significance of this variant is currently unknown. This variant has not been reported in the literature in individuals affected with ELANE-related conditions. This variant is not present in population databases (gnomAD no frequency). This variant, c.255_266del, results in the deletion of 4 amino acid(s) of the ELANE protein (p.Ala86_Leu89del), but otherwise preserves the integrity of the reading frame.